The following is an entry in ClinVar:

NM_000141.5(FGFR2):c.314A>G (p.Tyr105Cys)

Gene: FGFR2 (fibroblast growth factor receptor 2; minus strand). Cytogenetic location: 10q26.13.
Variant type: single nucleotide variant.
Coding change: c.314A>G on transcript NM_000141.5 (MANE Select); coding-DNA position 314, A replaced by G.
Protein change: p.Tyr105Cys; replaces tyrosine 105 with cysteine.
Molecular consequence: missense variant. On other transcripts: intron variant (9).
Genome position (GRCh38, 1-based): chr10:121,565,500, T>C on the plus strand (A>G on the coding strand, the complement: FGFR2 is on the minus strand). VCF-style: chr10-121565500-T-C. GRCh37 (hg19) VCF-style: chr10-123325014-T-C.
Other names: c.314A>G, p.Tyr105Cys (NM_001144913.1, NM_001144914.1, NM_001144917.2 and 3 more transcripts); c.110-14041A>G (NM_001144918.2, NM_001441091.1, NM_001441090.1 and 1 more transcripts); c.110-921A>G (NM_001441089.1, NM_023029.3, NM_001441088.1 and 2 more transcripts); short protein forms Y105C.
Identifiers: ClinVar variation 449024 (VCV000449024.43), dbSNP rs1434545235, ClinGen allele CA378324800.

ClinVar aggregate classification (germline): Pathogenic/Likely pathogenic. Review status: criteria provided, multiple submitters, no conflicts (2 of 4 stars). 13 submissions from 13 submitters: Pathogenic (9); Likely pathogenic (2). 2 of the submissions do not count toward it. Last evaluated 2025-09-24.

Conditions:
FGFR2-related disorder. Identifiers: MedGen CN380096.
Inborn genetic diseases. Identifiers: MedGen C0950123, MeSH D030342.
FGFR2-related craniosynostosis. Identifiers: MedGen CN231480.
Crouzon syndrome. Also called: Craniofacial dysostosis type 1; Crouzon craniofacial dysostosis; Crouzon disease; Craniofacial dysostosis; CRANIOFACIAL DYSOSTOSIS, TYPE I. Identifiers: Orphanet 207, MedGen C0010273, MeSH D003394, MONDO:0007405, OMIM 123500, HP:0004439.
Levy-Hollister syndrome (LADD). Also called: LADD syndrome. Identifiers: Orphanet 2363, MedGen C0265269, MONDO:0007872.
Neoplasm of stomach. Also called: Neoplasm of the stomach; Gastric neoplasm; Stomach Neoplasms. Identifiers: MedGen C0038356, MONDO:0021085, HP:0006753. Disease mechanism: gain of function. Inheritance: Somatic mutation.
Pfeiffer syndrome (ACS5). Also called: ACS V. Identifiers: Orphanet 710, MedGen C0220658, MONDO:0007043, OMIM 101600.
Antley-Bixler syndrome without genital anomalies or disordered steroidogenesis (ABS2). Also called: Antley-Bixler Syndrome, Autosomal Dominant; MULTISYNOSTOTIC OSTEODYSGENESIS WITH LONG BONE FRACTURES; Trapezoidocephaly synostosis syndrome; Osteodysgenesis, multisynostotic with fractures. Identifiers: Orphanet 596008, Orphanet 83, MedGen C2936791, MONDO:0020667, OMIM 207410.
Jackson-Weiss syndrome (JWS). Also called: CRANIOSYNOSTOSIS, MIDFACIAL HYPOPLASIA, AND FOOT ABNORMALITIES. Identifiers: Orphanet 1540, MedGen C0795998, MONDO:0007400, OMIM 123150. Disease mechanism: loss of function.
Acrocephalosyndactyly type I (ACS1). Also called: Acrocephalo-syndactyly type 1; ACS 1; Syndactylic oxycephaly; Apert syndrome. Identifiers: Orphanet 87, MedGen C0001193, MONDO:0007041, OMIM 101200.
Bent bone dysplasia syndrome 1 (BBDS1). Also called: FGFR2-related bent bone dysplasia. Identifiers: Orphanet 313855, MedGen C3281247, MONDO:0013815, OMIM 614592.
Saethre-Chotzen syndrome (SCS). Also called: ACROCEPHALY, SKULL ASYMMETRY, AND MILD SYNDACTYLY; ACS III; CHOTZEN SYNDROME. Identifiers: Orphanet 794, MedGen C0175699, MONDO:0007042, OMIM 101400.
Familial scaphocephaly syndrome, McGillivray type. Also called: SCAPHOCEPHALY, MAXILLARY RETRUSION, AND IMPAIRED INTELLECTUAL DEVELOPMENT. Identifiers: Orphanet 168624, MedGen C1865070, MONDO:0012307, OMIM 609579.
Beare-Stevenson cutis gyrata syndrome (BSTVS). Identifiers: Orphanet 1555, MedGen C1852406, MONDO:0007412, OMIM 123790.

Allele frequency attached by ClinVar (database versions not stated): gnomAD exomes below 0.00001.
gnomAD v4.1: 1 of 1,614,216 alleles (0.000062%); highest among the groups gnomAD compares: Admixed American, 0.0017%; no homozygotes.

Submissions (13):

Labcorp Genetics (formerly Invitae), Labcorp
Classification: Pathogenic for FGFR2-related craniosynostosis. Last evaluated: 2025-09-24. Review status: criteria provided, single submitter. Criteria: Invitae Variant Classification Sherloc (09022015). Collection method: clinical testing. Allele origin: germline.
Comment: This sequence change replaces tyrosine, which is neutral and polar, with cysteine, which is neutral and slightly polar, at codon 105 of the FGFR2 protein (p.Tyr105Cys). This variant is present in population databases (no rsID available, gnomAD 0.003%). This missense change has been observed in individual(s) with Crouzon syndrome (PMID: 1641873, 8946174, 11781872, 24127277; internal data). In at least one individual the variant was observed to be de novo. ClinVar contains an entry for this variant (Variation ID: 449024). Invitae Evidence Modeling of protein sequence and biophysical properties (such as structural, functional, and spatial information, amino acid conservation, physicochemical variation, residue mobility, and thermodynamic stability) indicates that this missense variant is expected to disrupt FGFR2 protein function with a positive predictive value of 80%. For these reasons, this variant has been classified as Pathogenic.

Revvity Omics, Revvity
Classification: Pathogenic. Last evaluated: 2025-05-27. Review status: criteria provided, single submitter. Criteria: ACMG Guidelines, 2015. Collection method: clinical testing. Allele origin: germline.

Obstetrics Unit, Tongji Hospital, Huazhong University of Science and Technology
Classification: Likely pathogenic for Acrocephalosyndactyly type I. Last evaluated: 2024-12-25. Review status: criteria provided, single submitter. Criteria: ACMG Guidelines, 2015. Collection method: clinical testing. Allele origin: maternal. Affected: yes.
Comment: FGFR2:NM_000141.5:exon3:c.314A>G:p.Y105C variant: possibly pathogenic (PS2+PS4_Moderate+PP1+PP3+PM2_Supporting) Strong pathogenicity evidence PS2: The literature reports a total of 1 patient in whom this variant was detected as de novo [PMID:11781872]; Moderate pathogenicity evidence PS4_Moderate: the literature reports that the variant was detected in a total of 6-14 patients [PMID:11781872]; Moderate pathogenicity evidence PS2: the literature reports that the variant was detected in a total of 1 patient [PMID:11781872]. [PMID:8946174;24127277;34538793;16418739;11781872;34169787]; Supports evidence of pathogenicity PP1: The literature reports that this variant is co-segregating with disease in multiple affected family members [PMID:24127277]; Support for pathogenicity evidence PP3: Predicted by multiple statistical methods (REVEL), the results show that the variant causes deleterious effects on the gene or gene product; Evidence in favor of pathogenicity PM2_Supporting: the variant is not found in the reference population Thousand Genomes (1000G), and the Human Exome Database (ExAC), and has a frequency of 2.89084e-05 in the Population Genome Mutation Frequency Database (gnomAD); The known variant was assessed as P in the ClinVar database; the known variant was assessed as DM in the HGMD database [PMID:8946174;23754559;24127277;34169787;34538793]; Mutations in the gene FGFR2 (OMIM:176943) cause Apert syndrome (OMIM:101200)

Ambry Genetics
Classification: Pathogenic for Inborn genetic diseases. Last evaluated: 2024-11-26. Review status: criteria provided, single submitter. Criteria: Ambry Variant Classification Scheme 2023. Collection method: clinical testing. Allele origin: germline.
Comment: The c.314A>G (p.Y105C) alteration is located in exon 3 (coding exon 2) of the FGFR2 gene. This alteration results from an A to G substitution at nucleotide position 314, causing the tyrosine (Y) at amino acid position 105 to be replaced by a cysteine (C). for FGFR2-related craniosynostosis disorders; however, its clinical significance for FGFR2-related lacrimoauriculodentodigital syndrome is uncertain. This allele was reported in one heterozygous individual in population-based cohorts in the Genome Aggregation Database (gnomAD). This variant was reported as heterozygous in individuals with features consistent with FGFR2-related craniosynostosis disorders or suspected to have Crouzon syndrome; in at least one individual, it was determined to be a de novo variant (Pulleyn, 1996; Kan, 2002; Lajeunie, 2006; Roscioli; 2013; Timberlake, 2023). This amino acid position is highly conserved in available vertebrate species. This alteration is predicted to be deleterious by in silico analysis. Based on the available evidence, this alteration is classified as pathogenic.

Blueprint Genetics
Classification: Pathogenic for FGFR2-related disorders. Last evaluated: 2023-12-18. Review status: criteria provided, single submitter. Criteria: ACMG Guidelines, 2015. Collection method: clinical testing. Allele origin: germline. Affected: yes. Observed: 3 variant alleles.

Centre of Medical Genetics, University Hospital Muenster
Classification: Pathogenic for Crouzon syndrome. Last evaluated: 2023-01-12. Review status: criteria provided, single submitter. Criteria: ACMG Guidelines, 2015. Collection method: clinical testing. Allele origin: unknown. Affected: yes. Observed: 1 variant allele, 1 heterozygote.
Comment: ACMG categories: PS4,PM1,PM2,PP1,PP3,PP5

Greenwood Genetic Center Diagnostic Laboratories, Greenwood Genetic Center
Classification: Likely pathogenic for Bent bone dysplasia syndrome 1. Last evaluated: 2022-08-09. Review status: criteria provided, single submitter. Criteria: ACMG Guidelines, 2015. Collection method: clinical testing. Allele origin: germline. Affected: yes.
Comment: PS4, PM1, PM2, PP3

GeneDx
Classification: Pathogenic. Last evaluated: 2022-05-10. Review status: criteria provided, single submitter. Criteria: GeneDx Variant Classification Process June 2021. Collection method: clinical testing. Allele origin: germline. Affected: yes.
Comment: Not observed at a significant frequency in large population cohorts (gnomAD); In silico analysis supports that this missense variant has a deleterious effect on protein structure/function; This variant is associated with the following publications: (PMID: 16418739, 25425289, 34169787, 8946174, 27928320, 11781872, 24127277, 23754559, 34538793)

Seattle Children's Hospital Molecular Genetics Laboratory, Seattle Children's Hospital
Classification: Pathogenic for Crouzon syndrome. Last evaluated: 2022-02-02. Review status: criteria provided, single submitter. Criteria: ACMG Guidelines, 2015. Collection method: clinical testing. Allele origin: germline. Affected: yes.
Comment: The p.Tyr105Cys variant is a recurrent pathogenic variant that has been reported in both the medical literature and patient databases among individuals with craniosynostosis and Crouzon syndrome (MIM #123500) (PMID: 8946174 and others). The p.Tyr105Cys variant replaces a tyrosine residue at amino acid position 105 with a cysteine in the immunoglobulin-like domain of the FGFR2 protein. This variant is present at an a very low frequency in a database of the general population (1 of 251,352 alleles, gnomAD v.2.1.1). Typically, FGFR2-related craniosynostosis variants are activating, although functional validation has not been performed to our knowledge for this variant. The FGFR2 p.Tyr105Cys variant has been found to be a de novo change in some individuals, and has also been demonstrated to segregate with the phenotype in families with multiple affected members (PMID: 16418739).

Fulgent Genetics
Classification: Pathogenic for Acrocephalosyndactyly type I; Saethre-Chotzen syndrome; Pfeiffer syndrome; Jackson-Weiss syndrome; Crouzon syndrome; Beare-Stevenson cutis gyrata syndrome; LADD syndrome 1; Antley-Bixler syndrome without genital anomalies or disordered steroidogenesis; Familial scaphocephaly syndrome, McGillivray type; Gastric cancer; Bent bone dysplasia syndrome 1. Last evaluated: 2018-10-31. Review status: criteria provided, single submitter. Criteria: ACMG Guidelines, 2015. Collection method: clinical testing. Allele origin: unknown.

Juno Genomics, Hangzhou Juno Genomics, Inc
Classification: Pathogenic for Crouzon syndrome. Review status: criteria provided, single submitter. Criteria: ACMG Guidelines, 2015. Collection method: clinical testing. Allele origin: germline. Affected: yes.
Comment: Absent from controls (or at extremely low frequency if recessive) in Genome Aggregation Database, Exome Sequencing Project, 1000 Genomes Project, or Exome Aggregation Consortium.;Multiple lines of computational evidence support a deleterious effect on the gene or gene product (conservation, evolutionary, splicing impact, etc).;Missense variant in a gene that has a low rate of benign missense variation and where missense variants are a common mechanism of disease.;The prevalence of the variant in affected individuals is significantly increased compared to the prevalence in controls.;Assumed de novo, but without confirmation of paternity and maternity.;Co-segregation with disease in multiple affected family members in a gene definitively known to cause the disease.

Clinical Genetics DNA and cytogenetics Diagnostics Lab, Erasmus MC, Erasmus Medical Center
Classification: Pathogenic. Review status: no assertion criteria provided. Collection method: clinical testing. Allele origin: germline. Affected: yes. Study: VKGL Data-share Consensus. Not counted in ClinVar's aggregate classification.

Joint Genome Diagnostic Labs from Nijmegen and Maastricht, Radboudumc and MUMC+
Classification: Pathogenic. Review status: no assertion criteria provided. Collection method: clinical testing. Allele origin: germline. Affected: yes. Study: VKGL Data-share Consensus. Not counted in ClinVar's aggregate classification.

Literature cited by the submitters: PubMed 1641873 (cited by Labcorp Genetics (formerly Invitae), Labcorp); PubMed 8946174 (cited by 3 submitters); PubMed 11781872 (cited by Labcorp Genetics (formerly Invitae), Labcorp and Ambry Genetics); PubMed 24127277 (cited by Labcorp Genetics (formerly Invitae), Labcorp and Ambry Genetics); PubMed 16418739 (cited by Ambry Genetics); PubMed 37086723 (cited by Ambry Genetics).